The following is an entry in ClinVar:

NM_001104631.2(PDE4D):c.1294G>T (p.Asp432Tyr)

Gene: PDE4D (phosphodiesterase 4D; minus strand). Cytogenetic location: 5q11.2.
Variant type: single nucleotide variant.
Coding change: c.1294G>T on transcript NM_001104631.2 (MANE Select); coding-DNA position 1294, G replaced by T.
Protein change: p.Asp432Tyr; replaces aspartic acid 432 with tyrosine.
Molecular consequence: missense variant.
Genome position (GRCh38, 1-based): chr5:58,989,913, C>A on the plus strand (G>T on the coding strand, the complement: PDE4D is on the minus strand). VCF-style: chr5-58989913-C-A. GRCh37 (hg19) VCF-style: chr5-58285740-C-A.
Other names: c.1111G>T, p.Asp371Tyr (NM_001165899.2, NM_001364599.1); c.1102G>T, p.Asp368Tyr (NM_001197218.2); c.928G>T, p.Asp310Tyr (NM_001197219.2); c.904G>T, p.Asp302Tyr (NM_001197220.2); c.388G>T, p.Asp130Tyr (NM_001197221.2, NM_001364603.1); c.622G>T, p.Asp208Tyr (NM_001197222.2); c.421G>T, p.Asp141Tyr (NM_001197223.2); c.1081G>T, p.Asp361Tyr (NM_001349241.2); and 3 more; short protein forms D130Y, D141Y, D302Y, D310Y, D322Y, D432Y, D208Y, D176Y.
Identifiers: ClinVar variation 2533660 (VCV002533660.3), dbSNP rs2479397643, ClinGen allele CA359817289.

ClinVar aggregate classification (germline): Uncertain significance. Review status: criteria provided, multiple submitters, no conflicts (2 of 4 stars). 2 submissions from 2 submitters: Uncertain significance (2). Last evaluated 2025-04-17.

Conditions:
Inborn genetic diseases. Identifiers: MedGen C0950123, MeSH D030342.

Submissions (2):

Labcorp Genetics (formerly Invitae), Labcorp
Classification: Uncertain significance. Last evaluated: 2025-04-17. Review status: criteria provided, single submitter. Criteria: Invitae Variant Classification Sherloc (09022015). Collection method: clinical testing. Allele origin: germline.
Comment: This sequence change replaces aspartic acid, which is acidic and polar, with tyrosine, which is neutral and polar, at codon 432 of the PDE4D protein (p.Asp432Tyr). This variant is not present in population databases (gnomAD no frequency). This variant has not been reported in the literature in individuals affected with PDE4D-related conditions. ClinVar contains an entry for this variant (Variation ID: 2533660). Invitae Evidence Modeling of protein sequence and biophysical properties (such as structural, functional, and spatial information, amino acid conservation, physicochemical variation, residue mobility, and thermodynamic stability) indicates that this missense variant is expected to disrupt PDE4D protein function with a positive predictive value of 80%. In summary, the available evidence is currently insufficient to determine the role of this variant in disease. Therefore, it has been classified as a Variant of Uncertain Significance.

Ambry Genetics
Classification: Uncertain significance for Inborn genetic diseases. Last evaluated: 2023-04-05. Review status: criteria provided, single submitter. Criteria: Ambry Variant Classification Scheme 2023. Collection method: clinical testing. Allele origin: germline.